The following is an entry in ClinVar:

NM_007294.4(BRCA1):c.1148A>G (p.Asn383Ser)

Gene: BRCA1 (BRCA1 DNA repair associated; minus strand). Cytogenetic location: 17q21.31.
Variant type: single nucleotide variant.
Coding change: c.1148A>G on transcript NM_007294.4 (MANE Select); coding-DNA position 1148, A replaced by G.
Protein change: p.Asn383Ser; replaces asparagine 383 with serine.
Molecular consequence: missense variant. On other transcripts: intron variant (137).
Genome position (GRCh38, 1-based): chr17:43,094,383, T>C on the plus strand (A>G on the coding strand, the complement: BRCA1 is on the minus strand). VCF-style: chr17-43094383-T-C. GRCh37 (hg19) VCF-style: chr17-41246400-T-C.
Other names: c.1145A>G, p.Asn382Ser (NM_001407587.1, NM_001407590.1, NM_001407591.1 and 22 more transcripts); c.1148A>G, p.Asn383Ser (NM_001407593.1, NM_001407594.1, NM_001407596.1 and 30 more transcripts); c.935A>G, p.Asn312Ser (NM_001407571.1, NM_001407853.1, NM_001407894.1 and 9 more transcripts); c.1025A>G, p.Asn342Ser (NM_001407679.1, NM_001407680.1, NM_001407681.1 and 19 more transcripts); c.1022A>G, p.Asn341Ser (NM_001407685.1, NM_001407686.1, NM_001407687.1 and 11 more transcripts); c.1007A>G, p.Asn336Ser (NM_001407692.1, NM_001407694.1, NM_001407695.1 and 29 more transcripts); c.1004A>G, p.Asn335Ser (NM_001407740.1, NM_001407741.1, NM_001407742.1 and 20 more transcripts); c.947A>G, p.Asn316Ser (NM_001407862.1); and 40 more; short protein forms N336S, N383S, N256S, N357S, N315S, N341S, N342S, N380S.
Identifiers: ClinVar variation 1319809 (VCV001319809.6), dbSNP rs770090143, ClinGen allele CA057053.

ClinVar aggregate classification (germline): Conflicting classifications of pathogenicity. Review status: criteria provided, conflicting classifications (1 of 4 stars). 2 submissions from 2 submitters: Uncertain significance (1); Likely benign (1). Last evaluated 2023-03-23.

Conditions:
Hereditary cancer-predisposing syndrome. Also called: Hereditary neoplastic syndrome; Neoplastic Syndromes, Hereditary; Tumor predisposition; Hereditary Cancer Syndrome. Identifiers: Orphanet 140162, MedGen C0027672, MeSH D009386, MONDO:0015356.

Allele frequency attached by ClinVar (database versions not stated): gnomAD exomes below 0.00001; ExAC 0.00001.
gnomAD v4.1: 2 of 1,614,198 alleles (0.00012%); highest among the groups gnomAD compares: South Asian, 0.0011%; no homozygotes.

Submissions (2):

University of Washington Department of Laboratory Medicine, University of Washington
Classification: Likely benign for Hereditary cancer-predisposing syndrome. Last evaluated: 2023-03-23. Review status: criteria provided, single submitter. Criteria: Dines et al. (Genet Med. 2020). Collection method: curation. Allele origin: germline.
Comment: Missense variant in a coldspot region where missense variants are very unlikely to be pathogenic (PMID:31911673).

BRCA1 coldspot (exon 11 using historical exon numbering). Reclassification based on statistical prior probability

Institute for Clinical Genetics, University Hospital TU Dresden, University Hospital TU Dresden
Classification: Uncertain significance. Last evaluated: 2021-11-03. Review status: criteria provided, single submitter. Criteria: ACMG Guidelines, 2015. Collection method: clinical testing. Allele origin: germline.